The following is an entry in ClinVar:

NM_000238.4(KCNH2):c.1211G>T (p.Ser404Ile)

Gene: KCNH2 (potassium voltage-gated channel subfamily H member 2; minus strand). Cytogenetic location: 7q36.1.
Variant type: single nucleotide variant.
Coding change: c.1211G>T on transcript NM_000238.4 (MANE Select); coding-DNA position 1211, G replaced by T.
Protein change: p.Ser404Ile; replaces serine 404 with isoleucine.
Molecular consequence: missense variant. On other transcripts: non-coding transcript variant (2).
Genome position (GRCh38, 1-based): chr7:150,952,771, C>A on the plus strand (G>T on the coding strand, the complement: KCNH2 is on the minus strand). VCF-style: chr7-150952771-C-A. GRCh37 (hg19) VCF-style: chr7-150649859-C-A.
Other names: c.191G>T, p.Ser64Ile (NM_001204798.2, NM_172057.3); c.923G>T, p.Ser308Ile (NM_001406753.1, NM_001406756.1); c.1034G>T, p.Ser345Ile (NM_001406755.1); c.911G>T, p.Ser304Ile (NM_001406757.1); c.1211G>T, p.Ser404Ile (NM_172056.3); short protein forms S308I, S345I, S404I, S64I, S304I.
Identifiers: ClinVar variation 4728254 (VCV004728254.1).

ClinVar aggregate classification (germline): Uncertain significance (1 of 4 stars; one submission).

Conditions:
Long QT syndrome (LQTS). Identifiers: MedGen C0023976, MeSH D008133, MONDO:0002442. Disease mechanism: loss of function. Inheritance: Various modes of inheritance.

Submission:

Labcorp Genetics (formerly Invitae), Labcorp
Classification: Uncertain significance for Long QT syndrome. Last evaluated: 2025-10-10. Review status: criteria provided, single submitter. Criteria: Invitae Variant Classification Sherloc (09022015). Collection method: clinical testing. Allele origin: germline.
Comment: This sequence change replaces serine, which is neutral and polar, with isoleucine, which is neutral and non-polar, at codon 404 of the KCNH2 protein (p.Ser404Ile). This variant is not present in population databases (gnomAD no frequency). This variant has not been reported in the literature in individuals affected with KCNH2-related conditions. An algorithm developed to predict the effect of missense changes on protein structure and function (PolyPhen-2) suggests that this variant is likely to be disruptive. In summary, the available evidence is currently insufficient to determine the role of this variant in disease. Therefore, it has been classified as a Variant of Uncertain Significance.